The following is an entry in ClinVar:

ClinVar aggregate classification (germline): Uncertain significance. Review status: criteria provided, multiple submitters, no conflicts (2 of 4 stars). 2 submissions from 2 submitters: Uncertain significance (2). Last evaluated 2024-03-24.

Conditions:
Hereditary cancer-predisposing syndrome. Also called: Neoplastic Syndromes, Hereditary; Tumor predisposition; Hereditary neoplastic syndrome; Hereditary Cancer Syndrome. Identifiers: Orphanet 140162, MedGen C0027672, MeSH D009386, MONDO:0015356.
Peutz-Jeghers syndrome (PJS). Also called: POLYPOSIS, HAMARTOMATOUS INTESTINAL; POLYPS-AND-SPOTS SYNDROME; Peutz-Jeghers polyposis; Periorificial lentiginosis syndrome. Identifiers: Orphanet 2869, MedGen C0031269, MeSH D010580, MONDO:0008280, OMIM 175200.

Submissions (2):

All of Us Research Program, National Institutes of Health
Classification: Uncertain significance for Peutz-Jeghers syndrome. Last evaluated: 2024-03-24. Review status: criteria provided, single submitter. Criteria: ACMG Guidelines, 2015. Collection method: clinical testing. Allele origin: germline. Inheritance: Autosomal dominant inheritance. Observed: 1 variant allele, 1 heterozygote.
Comment: This variant causes the deletion of one nucleotide at the +4 position in intron 1 of the STK11 gene. Splice prediction tools suggest that this variant may weaken a native donor site and strengthen a cryptic donor site. However, there has not been any published RNA studies. This variant has not been reported in individuals affected with STK11-related disorders in the literature. This variant has not been identified in the general population by the Genome Aggregation Database (gnomAD). The available evidence is insufficient to determine the role of this variant in disease conclusively. Therefore, this variant is classified as a Variant of Uncertain Significance.

This study involves interpretation of variants in research participants for the purpose of population health screening. Participant phenotype was not available at the time of variant classification. Additional details can be found in publication PMID: 35346344, PMCID: PMC8962531

Ambry Genetics
Classification: Uncertain significance for Hereditary cancer-predisposing syndrome. Last evaluated: 2022-03-24. Review status: criteria provided, single submitter. Criteria: Ambry Variant Classification Scheme 2023. Collection method: clinical testing. Allele origin: germline.
Comment: The c.290+4delA intronic variant, located in intron 1 of the STK11 gene, results from a deletion of one nucleotide within intron 1 of the STK11 gene. This nucleotide position is well conserved in available vertebrate species. In silico splice site analysis predicts that this alteration may weaken the native splice donor site and will result in the creation or strengthening of a novel splice donor site; however, direct evidence is insufficient at this time (Ambry internal data). Since supporting evidence is limited at this time, the clinical significance of this alteration remains unclear.

NM_000455.5(STK11):c.290+4del

Gene: STK11 (serine/threonine kinase 11; plus strand). Cytogenetic location: 19p13.3.
Variant type: Deletion.
Coding change: c.290+4del on transcript NM_000455.5 (MANE Select); 4 bases into the intron after coding-DNA position 290, one base deleted (A; older notation c.290+4delA).
Molecular consequence: intron variant.
Genome position (GRCh38, 1-based): chr19:1,207,207, A deleted; the last of 2 consecutive A bases (chr19:1,207,206-1,207,207); deleting either gives the same sequence. VCF-style (leftmost placement, unchanged base first): chr19-1207205-TA-T. GRCh37 (hg19) VCF-style: chr19-1207204-TA-T.
Identifiers: ClinVar variation 1797444 (VCV001797444.3), dbSNP rs2512921960, ClinGen allele CA2580096067.
Genomic context (GRCh38, chr19:1,207,205, plus strand): 5'-AAGATCCTCAAGAAGAAGAAGTTGCGAAGGATCCCCAACGGGGAGGCCAACGTGAAGAAG[TA>T]AGTATGGCTTGCTGGGGTCGGGGCCGGGCCGGGCCAGTCACGGTGCTGATGGTTCTGTCT-3'